The following is an entry in ClinVar:

ClinVar aggregate classification (germline): Benign/Likely benign. Review status: criteria provided, multiple submitters, no conflicts (2 of 4 stars). 3 submissions from 3 submitters: Benign (2); Likely benign (1). Last evaluated 2026-02-01.

Allele frequency attached by ClinVar (database versions not stated): gnomAD exomes 0.01609; ExAC 0.01722; ESP Exome Variant Server 0.02730; gnomAD 0.02943 and 0.02946; TOPMed 0.03204; 1000 Genomes Project 0.04772; 1000 Genomes Project 30x 0.04825.
gnomAD v4.1: 14,306 of 1,614,068 alleles (0.89%); highest among the groups gnomAD compares: African/African-American, 8.9%; 475 homozygotes.

Submissions (3):

Labcorp Genetics (formerly Invitae), Labcorp
Classification: Benign. Last evaluated: 2026-02-01. Review status: criteria provided, single submitter. Criteria: Invitae Variant Classification Sherloc (09022015). Collection method: clinical testing. Allele origin: germline.

Mayo Clinic Laboratories, Mayo Clinic
Classification: Benign. Last evaluated: 2025-02-13. Review status: criteria provided, single submitter. Criteria: ACMG Guidelines, 2015. Collection method: clinical testing. Allele origin: germline. Observed: 7 variant alleles.
Comment: BS1, BS2, BS3_supporting, BP4_strong

Blueprint Genetics
Classification: Likely benign. Last evaluated: 2024-11-25. Review status: criteria provided, single submitter. Criteria: ACMG Guidelines, 2015. Collection method: clinical testing. Allele origin: germline.

Literature cited by the submitters: PubMed 19859543 (cited by Mayo Clinic Laboratories, Mayo Clinic).

NM_014314.4(RIGI):c.431C>T (p.Ser144Phe)

Gene: RIGI (RNA sensor RIG-I; minus strand). Cytogenetic location: 9p21.1.
Variant type: single nucleotide variant.
Coding change: c.431C>T on transcript NM_014314.4 (MANE Select); coding-DNA position 431, C replaced by T.
Protein change: p.Ser144Phe; replaces serine 144 with phenylalanine.
Molecular consequence: missense variant. On other transcripts: 5 prime UTR variant (2), intron variant (2).
Genome position (GRCh38, 1-based): chr9:32,492,531, G>A on the plus strand (C>T on the coding strand, the complement: RIGI is on the minus strand). VCF-style: chr9-32492531-G-A. GRCh37 (hg19) VCF-style: chr9-32492529-G-A.
Other names: p.Ser144Phe; c.431C>T, p.Ser144Phe (NM_001385907.1, NM_001385909.1); c.-11C>T (NM_001385910.1, NM_001385914.1); c.-38-1111C>T (NM_001385912.1); c.424-8C>T (NM_001385913.1); short protein forms S144F.
Identifiers: ClinVar variation 1169188 (VCV001169188.11), dbSNP rs55789327, ClinGen allele CA5020072.
Genomic context (GRCh38, chr9:32,492,531, plus strand): 5'-TTGTCTGATCTGAGAAGGCATTCCACCAATTTCTCTGCACCTGCCATCATCCCCTTAGTA[G>A]AGCAAATCTAAGCAAGGTAACTGTAGTTTATTGATCAATTATCTCAAAAGTTTTCCCTTT-3'
Protein context (NP_055129.2, residues 134-154): QECEEILQIC[Ser144Phe]TKGMMAGAEK